The following is an entry in ClinVar:

ClinVar aggregate classification (germline): not provided (0 of 4 stars; one submission).

Allele frequency attached by ClinVar (database versions not stated): 1000 Genomes Project 0.04673.

Submission:

James Howe Lab, University of Iowa Hospital and Clinics
No classification provided. Review status: no classification provided. Collection method: not provided. Allele origin: unknown.
Comment: Analysis of CDKN1B mutations in 86 patients with small bowel neuroendocrine tumors and 68 patients with pancreas neuroendocrine tumors.

NM_018300.4(ZNF83):c.824A>C (p.His275Pro)

Genes: ZNF83 (zinc finger protein 83; minus strand), LOC137778871 (uncharacterized LOC137778871; plus strand). Cytogenetic location: 19q13.41.
Variant type: single nucleotide variant.
Coding change: c.824A>C on transcript NM_018300.4 (MANE Select); coding-DNA position 824, A replaced by C.
Protein change: p.His275Pro; replaces histidine 275 with proline.
Molecular consequence: missense variant.
Genome position (GRCh38, 1-based): chr19:52,613,741, T>G on the plus strand (A>C on the coding strand, the complement: ZNF83 is on the minus strand). VCF-style: chr19-52613741-T-G. GRCh37 (hg19) VCF-style: chr19-53116994-T-G.
Other names: c.824A>C, p.His275Pro (NM_001105549.2, NM_001105550.2, NM_001105551.2 and 13 more transcripts); short protein forms H275P.
Identifiers: ClinVar variation 156704 (VCV000156704.2), dbSNP rs575275768, ClinGen allele CA248396.
Genomic context (GRCh38, chr19:52,613,741, plus strand): 5'-CCACACTCATTACATTTGTAAGGTTTCTCTCCAGTGTGGATTCTCTGATGTTGTGCAAGG[T>G]GTGAAATATGATGGAAGACCTTTCCACATACATTACATCTGTAAGGTTTCTCTCCAGTAT-3'
Protein context (NP_060770.3, residues 265-285): VCGKVFHHIS[His275Pro]LAQHQRIHTG